The following is an entry in ClinVar:

NM_000278.5(PAX2):c.70G>C (p.Gly24Arg)

Gene: PAX2 (paired box 2; plus strand). Cytogenetic location: 10q24.31.
Variant type: single nucleotide variant.
Coding change: c.70G>C on transcript NM_000278.5 (MANE Select); coding-DNA position 70, G replaced by C.
Protein change: p.Gly24Arg; replaces glycine 24 with arginine.
Molecular consequence: missense variant.
Genome position (GRCh38, 1-based): chr10:100,749,772, G>C. VCF-style: chr10-100749772-G-C. GRCh37 (hg19) VCF-style: chr10-102509529-G-C.
Other names: c.163G>C, p.Gly55Arg (NM_001304569.2); c.70G>C, p.Gly24Arg (NM_003987.5, NM_003988.5, NM_003989.5 and 1 more transcripts); short protein forms G24R, G55R.
Identifiers: ClinVar variation 836075 (VCV000836075.8), dbSNP rs1845366198, ClinGen allele CA378257466.

ClinVar aggregate classification (germline): Likely pathogenic (1 of 4 stars; one submission).

Conditions:
Focal segmental glomerulosclerosis 7 (FSGS7). Identifiers: Orphanet 656, MedGen C4014925, MONDO:0014451, OMIM 616002.
Renal coloboma syndrome (PAPRS). Also called: COLOBOMA OF OPTIC NERVE WITH RENAL DISEASE; OPTIC COLOBOMA, VESICOURETERAL REFLUX, AND RENAL ANOMALIES; OPTIC NERVE COLOBOMA WITH RENAL DISEASE; RENAL-COLOBOMA SYNDROME WITH MACULAR ABNORMALITIES; CAKUT WITH OR WITHOUT OCULAR ABNORMALITIES; PAPILLORENAL SYNDROME WITH MILD OCULAR ABNORMALITIES. Identifiers: Orphanet 1475, MedGen C1852759, MONDO:0007352, OMIM 120330.

Submission:

Labcorp Genetics (formerly Invitae), Labcorp
Classification: Likely pathogenic for Renal coloboma syndrome; Focal segmental glomerulosclerosis 7. Last evaluated: 2024-03-04. Review status: criteria provided, single submitter. Criteria: Invitae Variant Classification Sherloc (09022015). Collection method: clinical testing. Allele origin: germline.
Comment: This sequence change replaces glycine, which is neutral and non-polar, with arginine, which is basic and polar, at codon 24 of the PAX2 protein (p.Gly24Arg). This variant is not present in population databases (gnomAD no frequency). This missense change has been observed in individuals with papillorenal syndrome (PMID: 30773290; Invitae). It has also been observed to segregate with disease in related individuals. ClinVar contains an entry for this variant (Variation ID: 836075). An algorithm developed to predict the effect of missense changes on protein structure and function (PolyPhen-2) suggests that this variant is likely to be disruptive. This variant disrupts the p.Gly24 amino acid residue in PAX2. Other variant(s) that disrupt this residue have been observed in individuals with PAX2-related conditions (PMID: 30348286, 35444690), which suggests that this may be a clinically significant amino acid residue. In summary, the currently available evidence indicates that the variant is pathogenic, but additional data are needed to prove that conclusively. Therefore, this variant has been classified as Likely Pathogenic.

Literature cited by the submitters: PubMed 30773290; PubMed 30348286; PubMed 35444690.